The following is an entry in ClinVar:

NM_000784.4(CYP27A1):c.609G>A (p.Ser203=)

Gene: CYP27A1 (cytochrome P450 family 27 subfamily A member 1; plus strand). Cytogenetic location: 2q35.
Variant type: single nucleotide variant.
Coding change: c.609G>A on transcript NM_000784.4 (MANE Select); coding-DNA position 609, G replaced by A.
Protein change: p.Ser203=; no amino-acid change (serine 203 retained).
Molecular consequence: synonymous variant.
Genome position (GRCh38, 1-based): chr2:218,812,384, G>A. VCF-style: chr2-218812384-G-A. GRCh37 (hg19) VCF-style: chr2-219677107-G-A.
Other names: p.Ser203=.
Identifiers: ClinVar variation 286323 (VCV000286323.26), dbSNP rs148132118, ClinGen allele CA2112665.

ClinVar aggregate classification (germline): Conflicting classifications of pathogenicity. Review status: criteria provided, conflicting classifications (1 of 4 stars). 7 submissions from 7 submitters: Uncertain significance (1); Likely benign (5). 1 of the submissions does not count toward it. Last evaluated 2025-12-24.

Conditions:
CYP27A1-related disorder. Also called: CYP27A1-related condition.
Cardiovascular phenotype. Identifiers: MedGen CN230736.
Cholestanol storage disease (CTX). Also called: CEREBRAL CHOLESTERINOSIS; CTX: Cerebrotendinous xanthomatosis; Cerebrotendinous Xanthomatosis. Identifiers: Orphanet 909, MedGen C0238052, MONDO:0008948, OMIM 213700.

Allele frequency attached by ClinVar (database versions not stated): gnomAD exomes 0.00005 and 0.00011; ExAC 0.00013; gnomAD 0.00021; TOPMed 0.00026; 1000 Genomes Project 0.00040; 1000 Genomes Project 30x 0.00047; ESP Exome Variant Server 0.00069.
gnomAD v4.1: 107 of 1,614,180 alleles (0.0066%); highest among the groups gnomAD compares: African/African-American, 0.079%; no homozygotes.

Submissions (7):

Labcorp Genetics (formerly Invitae), Labcorp
Classification: Likely benign for Cholestanol storage disease. Last evaluated: 2025-12-24. Review status: criteria provided, single submitter. Criteria: Invitae Variant Classification Sherloc (09022015). Collection method: clinical testing. Allele origin: germline.

CeGaT Center for Human Genetics Tuebingen
Classification: Likely benign. Last evaluated: 2025-11-01. Review status: criteria provided, single submitter. Criteria: CeGaT Center For Human Genetics Tuebingen Variant Classification Criteria Version 2. Collection method: clinical testing. Allele origin: germline. Affected: yes. Observed: 1 variant allele.
Comment: CYP27A1: BP4, BP7

Mayo Clinic Laboratories, Mayo Clinic
Classification: Likely benign. Last evaluated: 2025-03-28. Review status: criteria provided, single submitter. Criteria: ACMG Guidelines, 2015. Collection method: clinical testing. Allele origin: germline. Observed: 1 variant allele.
Comment: BP4, BP7

Blueprint Genetics
Classification: Likely benign. Last evaluated: 2023-10-18. Review status: criteria provided, single submitter. Criteria: ACMG Guidelines, 2015. Collection method: clinical testing. Allele origin: germline.

Ambry Genetics
Classification: Likely benign for Cardiovascular phenotype. Last evaluated: 2019-07-17. Review status: criteria provided, single submitter. Criteria: Ambry Variant Classification Scheme 2023. Collection method: clinical testing. Allele origin: germline.

Eurofins Ntd Llc (ga)
Classification: Uncertain significance. Last evaluated: 2017-07-19. Review status: criteria provided, single submitter. Criteria: EGL Classification Definitions 2015. Collection method: clinical testing. Allele origin: germline. Observed: 2 variant alleles, 2 heterozygotes.

PreventionGenetics, part of Exact Sciences
Classification: Likely benign for CYP27A1-related condition. Last evaluated: 2021-06-23. Review status: no assertion criteria provided. Collection method: clinical testing. Allele origin: germline. Not counted in ClinVar's aggregate classification.
Comment: This variant is classified as likely benign based on ACMG/AMP sequence variant interpretation guidelines (Richards et al. 2015 PMID: 25741868, with internal and published modifications).

Literature cited by the submitters: PubMed 27681307 (cited by Mayo Clinic Laboratories, Mayo Clinic).